The following is an entry in ClinVar:

ClinVar aggregate classification (germline): Uncertain significance (1 of 4 stars; one submission).

Conditions:
MAMLD1-related disorder. Also called: MAMLD1-related condition.

Allele frequency attached by ClinVar (database versions not stated): gnomAD exomes below 0.00001; TOPMed 0.00001; gnomAD 0.00002.
gnomAD v4.1: 7 of 1,210,253 alleles (0.00058%); highest among the groups gnomAD compares: South Asian, 0.0035%; no homozygotes.

Submission:

PreventionGenetics, part of Exact Sciences
Classification: Uncertain significance for MAMLD1-related condition. Last evaluated: 2023-05-08. Review status: criteria provided, single submitter. Criteria: ACMG Guidelines, 2015. Collection method: clinical testing. Allele origin: germline.
Comment: The MAMLD1 c.1110G>A variant is predicted to result in the amino acid substitution p.Met370Ile. To our knowledge, this variant has not been reported in the literature. This variant is reported in 0.010% of alleles in individuals of South Asian descent including 2 hemizygotes in gnomAD. At this time, the clinical significance of this variant is uncertain due to the absence of conclusive functional and genetic evidence.

NM_005491.5(MAMLD1):c.1110G>A (p.Met370Ile)

Gene: MAMLD1 (mastermind like domain containing 1; plus strand). Cytogenetic location: Xq28.
Variant type: single nucleotide variant.
Coding change: c.1110G>A on transcript NM_005491.5 (MANE Select); coding-DNA position 1110, G replaced by A.
Protein change: p.Met370Ile; replaces methionine 370 with isoleucine.
Molecular consequence: missense variant.
Genome position (GRCh38, 1-based): chrX:150,470,683, G>A. VCF-style: chrX-150470683-G-A. GRCh37 (hg19) VCF-style: chrX-149638955-G-A.
Other names: c.1035G>A, p.Met345Ile (NM_001177465.3, NM_001177466.3, NM_001400514.1); c.1110G>A, p.Met370Ile (NM_001400512.1, NM_001400513.1, NM_001400515.1); short protein forms M345I, M370I.
Identifiers: ClinVar variation 2629170 (VCV002629170.1), dbSNP rs1181385258, ClinGen allele CA415224322.